The following is an entry in ClinVar:

ClinVar aggregate classification (germline): Benign. Review status: criteria provided, multiple submitters, no conflicts (2 of 4 stars). 3 submissions from 3 submitters: Benign (3). Last evaluated 2024-01-24.

Allele frequency attached by ClinVar (database versions not stated): gnomAD exomes 0.09616; gnomAD 0.22220 and 0.22560; TOPMed 0.24272; 1000 Genomes Project 0.29253; 1000 Genomes Project 30x 0.29747.
gnomAD v4.1: 163,288 of 1,482,526 alleles (11%); highest among the groups gnomAD compares: African/African-American, 57%; 19,027 homozygotes.

Submissions (3):

Unidad de Genómica Garrahan, Hospital de Pediatría Garrahan
Classification: Benign. Last evaluated: 2024-01-24. Review status: criteria provided, single submitter. Criteria: ACMG Guidelines, 2015. Collection method: clinical testing. Allele origin: germline. Affected: no. Observed: 25 variant alleles.
Comment: This variant is classified as Benign based on local population frequency. This variant was detected in 26% of patients studied by a panel of primary immunodeficiencies. Number of patients: 25. Only high quality variants are reported.

GeneDx
Classification: Benign. Last evaluated: 2018-06-24. Review status: criteria provided, single submitter. Criteria: GeneDx Variant Classification Process June 2021. Collection method: clinical testing. Allele origin: germline. Affected: yes.

Breakthrough Genomics
Classification: Benign. Review status: criteria provided, single submitter. Criteria: ACMG Guidelines, 2015. Collection method: not provided. Allele origin: germline. Inheritance: Autosomal dominant inheritance. Affected: yes.

NM_002691.4(POLD1):c.1137+53G>A

Gene: POLD1 (DNA polymerase delta 1, catalytic subunit; plus strand). Cytogenetic location: 19q13.33.
Variant type: single nucleotide variant.
Coding change: c.1137+53G>A on transcript NM_002691.4 (MANE Select); 53 bases into the intron after coding-DNA position 1137, G replaced by A.
Molecular consequence: intron variant.
Genome position (GRCh38, 1-based): chr19:50,403,272, G>A. VCF-style: chr19-50403272-G-A. GRCh37 (hg19) VCF-style: chr19-50906529-G-A.
Other names: c.1137+53G>A (NM_001256849.1, NM_001308632.1).
Identifiers: ClinVar variation 1248142 (VCV001248142.5), dbSNP rs1673043, ClinGen allele CA14740802.